The following is an entry in ClinVar:

NM_000395.3(CSF2RB):c.1279G>A (p.Glu427Lys)

Gene: CSF2RB (colony stimulating factor 2 receptor subunit beta; plus strand). Cytogenetic location: 22q12.3.
Variant type: single nucleotide variant.
Coding change: c.1279G>A on transcript NM_000395.3 (MANE Select); coding-DNA position 1279, G replaced by A.
Protein change: p.Glu427Lys; replaces glutamic acid 427 with lysine.
Molecular consequence: missense variant.
Genome position (GRCh38, 1-based): chr22:36,933,958, G>A. VCF-style: chr22-36933958-G-A. GRCh37 (hg19) VCF-style: chr22-37330000-G-A.
Other names: c.1279G>A (NM_000395.2); short protein forms E427K.
Identifiers: ClinVar variation 1437639 (VCV001437639.9), dbSNP rs201912719, ClinGen allele CA10213763.

ClinVar aggregate classification (germline): Uncertain significance. Review status: criteria provided, multiple submitters, no conflicts (2 of 4 stars). 2 submissions from 2 submitters: Uncertain significance (2). Last evaluated 2025-07-16.

Conditions:
Inborn genetic diseases. Identifiers: MedGen C0950123, MeSH D030342.

Allele frequency attached by ClinVar (database versions not stated): TOPMed 0.00002; gnomAD 0.00007; ExAC 0.00008; gnomAD exomes 0.00010; 1000 Genomes Project 0.00020; 1000 Genomes Project 30x 0.00031.
gnomAD v4.1: 72 of 1,612,860 alleles (0.0045%); highest among the groups gnomAD compares: East Asian, 0.0045%; no homozygotes.

Submissions (2):

Labcorp Genetics (formerly Invitae), Labcorp
Classification: Uncertain significance. Last evaluated: 2025-07-16. Review status: criteria provided, single submitter. Criteria: Invitae Variant Classification Sherloc (09022015). Collection method: clinical testing. Allele origin: germline.
Comment: This sequence change replaces glutamic acid, which is acidic and polar, with lysine, which is basic and polar, at codon 427 of the CSF2RB protein (p.Glu427Lys). This variant is present in population databases (rs201912719, gnomAD 0.1%), and has an allele count higher than expected for a pathogenic variant. This variant has not been reported in the literature in individuals affected with CSF2RB-related conditions. ClinVar contains an entry for this variant (Variation ID: 1437639). Invitae Evidence Modeling of protein sequence and biophysical properties (such as structural, functional, and spatial information, amino acid conservation, physicochemical variation, residue mobility, and thermodynamic stability) indicates that this missense variant is not expected to disrupt CSF2RB protein function with a negative predictive value of 80%. In summary, the available evidence is currently insufficient to determine the role of this variant in disease. Therefore, it has been classified as a Variant of Uncertain Significance.

Ambry Genetics
Classification: Uncertain significance for Inborn genetic diseases. Last evaluated: 2025-01-27. Review status: criteria provided, single submitter. Criteria: Ambry Variant Classification Scheme 2023. Collection method: clinical testing. Allele origin: germline.